The following is an entry in ClinVar:

ClinVar aggregate classification (germline): Pathogenic/Likely pathogenic. Review status: criteria provided, multiple submitters, no conflicts (2 of 4 stars). 4 submissions from 4 submitters: Pathogenic (1); Likely pathogenic (3). Last evaluated 2025-05-21.

Conditions:
Nemaline myopathy 2 (NEM2). Also called: Nemaline myopathy 2, autosomal recessive. Identifiers: MedGen C1850569, MONDO:0009725, OMIM 256030.
Arthrogryposis multiplex congenita 6. Identifiers: MedGen C5543431, MONDO:0030281, OMIM 619334.

Submissions (4):

Natera, Inc.
Classification: Likely pathogenic for Nemaline myopathy type 2. Last evaluated: 2025-05-21. Review status: criteria provided, single submitter. Criteria: Natera Variant Classification Schema (03/2026). Collection method: clinical testing. Allele origin: germline.
Comment: The c.18504_18517delGGCCTATGGCTACA variant in NEB is a frameshift variant predicted to shift the reading frame beginning at codon 6168 and leads to a stop codon 4 codons downstream. This variant is expected to result in nonsense mediated decay, truncation, or a dysfunctional protein product. This variant is rare in the general population with a frequency below the threshold expected for the associated phenotype(s). Given the available evidence, this variant is classified as Likely Pathogenic.

Baylor Genetics
Classification: Likely pathogenic for Arthrogryposis multiplex congenita 6. Last evaluated: 2024-01-02. Review status: criteria provided, single submitter. Criteria: ACMG Guidelines, 2015. Collection method: clinical testing. Allele origin: unknown.

Labcorp Genetics (formerly Invitae), Labcorp
Classification: Pathogenic for Nemaline myopathy 2. Last evaluated: 2023-06-27. Review status: criteria provided, single submitter. Criteria: Invitae Variant Classification Sherloc (09022015). Collection method: clinical testing. Allele origin: germline.
Comment: ClinVar contains an entry for this variant (Variation ID: 1076255). For these reasons, this variant has been classified as Pathogenic. This variant has not been reported in the literature in individuals affected with NEB-related conditions. This variant is present in population databases (rs747282057, gnomAD 0.002%). This sequence change creates a premature translational stop signal (p.Lys6168Asnfs*4) in the NEB gene. It is expected to result in an absent or disrupted protein product. Loss-of-function variants in NEB are known to be pathogenic (PMID: 25205138).

Fulgent Genetics
Classification: Likely pathogenic for Nemaline myopathy 2; Arthrogryposis multiplex congenita 6. Last evaluated: 2022-04-20. Review status: criteria provided, single submitter. Criteria: ACMG Guidelines, 2015. Collection method: clinical testing. Allele origin: unknown.

Literature cited by the submitters: PubMed 25205138 (cited by Labcorp Genetics (formerly Invitae), Labcorp).

NM_001164508.2(NEB):c.18504_18517del (p.Lys6168fs)

Gene: NEB (nebulin; minus strand). Cytogenetic location: 2q23.3.
Variant type: Deletion.
Coding change: c.18504_18517del on transcript NM_001164508.2 (MANE Select); coding-DNA positions 18504 to 18517, 14 bases deleted (GGCCTATGGCTACA).
Protein change: p.Lys6168fs; shifts the reading frame from lysine 6168.
Molecular consequence: frameshift variant.
Genome position (GRCh38, 1-based): chr2:151,563,885-151,563,898, TGTAGCCATAGGCC deleted on the plus strand (GGCCTATGGCTACA on the coding strand, the reverse complement: NEB is on the minus strand); deleting any 14 consecutive bases within chr2:151,563,885-151,563,899 gives the same sequence; the c. name uses the placement nearest the transcript's 3' end. VCF-style (leftmost placement, unchanged base first): chr2-151563884-GTGTAGCCATAGGCC-G. GRCh37 (hg19) VCF-style: chr2-152420398-GTGTAGCCATAGGCC-G.
Other names: c.18504_18517delGGCCTATGGCTACA (NM_001271208.1); c.18504_18517del, p.Lys6168fs (NM_001164507.2, NM_001271208.2); c.13401_13414del, p.Lys4467fs (NM_004543.5); short protein forms K4467fs, K6168fs.
Identifiers: ClinVar variation 1076255 (VCV001076255.12), dbSNP rs747282057, ClinGen allele CA1907938.